The following is an entry in ClinVar:

ClinVar aggregate classification (germline): Uncertain significance (1 of 4 stars; one submission).

Conditions:
Familial adenomatous polyposis 2. Also called: COLORECTAL ADENOMATOUS POLYPOSIS, AUTOSOMAL RECESSIVE; ADENOMAS, MULTIPLE COLORECTAL, AUTOSOMAL RECESSIVE; MUTYH-related attenuated familial adenomatous polyposis; MUTYH-associated polyposis; MYH-associated polyposis; MUTYH Polyposis. Identifiers: Orphanet 220460, Orphanet 247798, MedGen C3272841, MONDO:0012041, OMIM 608456.

Submission:

Labcorp Genetics (formerly Invitae), Labcorp
Classification: Uncertain significance for Familial adenomatous polyposis 2. Last evaluated: 2023-04-15. Review status: criteria provided, single submitter. Criteria: Invitae Variant Classification Sherloc (09022015). Collection method: clinical testing. Allele origin: germline.
Comment: In summary, the available evidence is currently insufficient to determine the role of this variant in disease. Therefore, it has been classified as a Variant of Uncertain Significance. An algorithm developed to predict the effect of missense changes on protein structure and function (PolyPhen-2) suggests that this variant is likely to be disruptive. This variant has not been reported in the literature in individuals affected with MUTYH-related conditions. This variant is not present in population databases (gnomAD no frequency). This sequence change replaces phenylalanine, which is neutral and non-polar, with leucine, which is neutral and non-polar, at codon 446 of the MUTYH protein (p.Phe446Leu).

NM_001048174.2(MUTYH):c.1254C>G (p.Phe418Leu)

Gene: MUTYH (mutY DNA glycosylase; minus strand). Cytogenetic location: 1p34.1.
Variant type: single nucleotide variant.
Coding change: c.1254C>G on transcript NM_001048174.2 (MANE Select); coding-DNA position 1254, C replaced by G.
Protein change: p.Phe418Leu; replaces phenylalanine 418 with leucine.
Molecular consequence: missense variant. On other transcripts: non-coding transcript variant (7).
Genome position (GRCh38, 1-based): chr1:45,331,320, G>C on the plus strand (C>G on the coding strand, the complement: MUTYH is on the minus strand). VCF-style: chr1-45331320-G-C. GRCh37 (hg19) VCF-style: chr1-45796992-G-C.
Other names: c.1254C>G, p.Phe418Leu (NM_001048171.2, NM_001048173.2, NM_001293195.2 and 6 more transcripts); c.1257C>G, p.Phe419Leu (NM_001048172.2, NM_001407071.1, NM_001407086.1 and 1 more transcripts); c.1338C>G, p.Phe446Leu (NM_001128425.2); c.1299C>G, p.Phe433Leu (NM_001293190.2); c.1287C>G, p.Phe429Leu (NM_001293191.2, NM_001407069.1, NM_001407077.1); c.978C>G, p.Phe326Leu (NM_001293192.2, NM_001293196.2, NM_001407091.1); c.909C>G, p.Phe303Leu (NM_001350650.2, NM_001350651.2, NM_001407082.1); c.1296C>G, p.Phe432Leu (NM_001407085.1, NM_001407083.1); and 5 more; short protein forms F326L, F404L, F303L, F418L, F429L, F432L, F419L, F425L.
Identifiers: ClinVar variation 2877387 (VCV002877387.3), dbSNP rs2523926658, ClinGen allele CA340132780.